The following is an entry in ClinVar:

NM_175914.5(HNF4A):c.1216+6C>A

Gene: HNF4A (hepatocyte nuclear factor 4 alpha; plus strand). Cytogenetic location: 20q13.12.
Variant type: single nucleotide variant.
Coding change: c.1216+6C>A on transcript NM_175914.5 (MANE Select); 6 bases into the intron after coding-DNA position 1216, C replaced by A.
Molecular consequence: intron variant.
Genome position (GRCh38, 1-based): chr20:44,428,493, C>A. VCF-style: chr20-44428493-C-A. GRCh37 (hg19) VCF-style: chr20-43057133-C-A.
Other names: c.1177+36C>A (NM_001287182.2); c.1186+36C>A (NM_001030003.3); c.1207+6C>A (NM_001287183.2); c.1261+6C>A (NM_001258355.2); c.1252+36C>A (NM_178849.3); c.1282+6C>A (NM_000457.6).
Identifiers: ClinVar variation 338429 (VCV000338429.7), dbSNP rs778818487, ClinGen allele CA9870503.

ClinVar aggregate classification (germline): Uncertain significance. Review status: reviewed by expert panel (3 of 4 stars). 4 submissions from 3 submitters: Uncertain significance (1). 3 of the submissions do not count toward it. Last evaluated 2024-12-12.

Conditions:
Monogenic diabetes. Identifiers: Orphanet 183625, MedGen C3888631, MONDO:0015967.
Maturity-onset diabetes of the young (MODY). Also called: Maturity onset diabetes mellitus in young. Identifiers: Orphanet 552, MedGen C0342276, MONDO:0018911, HP:0004904.
Maturity-onset diabetes of the young type 1. Also called: MILD JUVENILE DIABETES MELLITUS; MODY, type I; MODY type 1; Diabetes mellitus MODY type 1; MODY HNF4A related; HNF4A-Related Maturity-Onset Diabetes of the Young Type 1. Identifiers: Orphanet 552, MedGen C1852093, MONDO:0007452, OMIM 125850. Disease mechanism: loss of function.
Familial hyperinsulinism. Also called: Congenital hyperinsulinism. Identifiers: Orphanet 276525, MedGen C3888018, MONDO:0017182. Disease mechanism: loss of function.

Allele frequency attached by ClinVar (database versions not stated): ExAC 0.00002; gnomAD exomes 0.00002 and 0.00003; TOPMed 0.00002; gnomAD 0.00003 and 0.00004.

Submissions (4):

ClinGen Monogenic Diabetes Variant Curation Expert Panel
Classification: Uncertain significance for Monogenic diabetes. Last evaluated: 2024-12-12. Review status: reviewed by expert panel. Criteria: ClinGen Diabetes ACMG Specifications HNF4A V2.0.0. Collection method: curation. Allele origin: germline. Inheritance: Autosomal dominant inheritance.
Comment: The c.1216+6C>A variant in the hepatocyte nuclear factor 4 alpha gene, HNF4A, is predicted to remove a canonical splice donor site in intron 9 of NM_175914.5. The Grpmax filtering allele frequency of the c.1216+6C>A variant in gnomAD v2.1.1 is 0.0007090%, which falls between ClinGen MDEP-established cutoffs for PM2_Supporting and BS1; thus, neither criterion will be applied. The computational splicing predictor SpliceAI gives a score of 0.24 for donor Loss, predicting that the variant disrupts the donor site of intron 9 of HNF4A (PP3). This variant was identified in an individual with diabetes; however, the MODY probability is unable to be calculated due to a lack of clinical information (internal lab contributors). In summary, c.1216+6C>A meets the criteria to be classified as uncertain significance for monogenic diabetes. ACMG/AMP criteria applied, as specified by the ClinGen MDEP (specification version 2.0.0, approved 10/11/2023): PP3.

Illumina Laboratory Services, Illumina
Classification: Uncertain significance for Maturity-onset diabetes of the young type 1. Last evaluated: 2018-01-12. Review status: criteria provided, single submitter. Criteria: ICSL Variant Classification Criteria 13 December 2019. Collection method: clinical testing. Allele origin: germline. Not counted in ClinVar's aggregate classification.

Illumina Laboratory Services, Illumina
Classification: Uncertain significance for Familial hyperinsulinism. Last evaluated: 2018-01-12. Review status: criteria provided, single submitter. Criteria: ICSL Variant Classification Criteria 13 December 2019. Collection method: clinical testing. Allele origin: germline. Not counted in ClinVar's aggregate classification.

Clinical Genomics, Uppaluri K&H Personalized Medicine Clinic
Classification: Uncertain significance for Maturity-onset diabetes of the young. Review status: criteria provided, single submitter. Criteria: K & H Uppaluri Personalized Medicine Clinic Variant Classification & Assertion Criteria_Updated V.1. Collection method: research. Allele origin: unknown. Inheritance: Autosomal dominant inheritance. Not counted in ClinVar's aggregate classification.
Comment: Potent mutations in HNF4A are associated with poor insulin secretion in response to hyperglycemia. Associated with MODY1. Patients initially respond well to sulfonylureas but eventually become insulin dependent. However, more evidence is required to ascertain the role of this particular variant rs778818487 in MODY, yet.

Literature cited by the submitters: DOI 10.1159/000334532 (cited by Clinical Genomics, Uppaluri K&H Personalized Medicine Clinic); PubMed 18268044 (cited by Clinical Genomics, Uppaluri K&H Personalized Medicine Clinic); PubMed 17563455 (cited by Clinical Genomics, Uppaluri K&H Personalized Medicine Clinic); PubMed 32583173 (cited by Clinical Genomics, Uppaluri K&H Personalized Medicine Clinic); PubMed 35052457 (cited by Clinical Genomics, Uppaluri K&H Personalized Medicine Clinic); PubMed 35118593 (cited by Clinical Genomics, Uppaluri K&H Personalized Medicine Clinic).